The following is an entry in ClinVar:

ClinVar aggregate classification (germline): Conflicting classifications of pathogenicity. Review status: criteria provided, conflicting classifications (1 of 4 stars). 4 submissions from 4 submitters: Uncertain significance (1); Benign (1); Likely benign (2). Last evaluated 2026-02-03.

Conditions:
Maturity-onset diabetes of the young (MODY). Also called: Maturity onset diabetes mellitus in young. Identifiers: Orphanet 552, MedGen C0342276, MONDO:0018911, HP:0004904.
Maturity-onset diabetes of the young type 3. Also called: MODY type 3; MODY, type III. Identifiers: Orphanet 552, MedGen C1838100, MeSH C563933, MONDO:0010894, OMIM 600496. Disease mechanism: loss of function.

Allele frequency attached by ClinVar (database versions not stated): gnomAD exomes 0.00004 and 0.00009; gnomAD 0.00005 and 0.00006; TOPMed 0.00006; ExAC 0.00016.

Submissions (4):

Labcorp Genetics (formerly Invitae), Labcorp
Classification: Likely benign. Last evaluated: 2026-02-03. Review status: criteria provided, single submitter. Criteria: Invitae Variant Classification Sherloc (09022015). Collection method: clinical testing. Allele origin: germline.

Ambry Genetics
Classification: Likely benign for Maturity-onset diabetes of the young. Last evaluated: 2022-10-02. Review status: criteria provided, single submitter. Criteria: Ambry Variant Classification Scheme 2023. Collection method: clinical testing. Allele origin: germline.

Women's Health and Genetics/Laboratory Corporation of America, LabCorp
Classification: Uncertain significance for MODY3. Last evaluated: 2011-08-18. Review status: criteria provided, single submitter. Criteria: LabCorp Variant Classification Summary - May 2015. Collection method: curation, clinical testing. Allele origin: germline. Inheritance: autosomal unknown. Affected: yes.
ClinVar note: Converted during submission from uncertain to Uncertain significance.

Clinical Genomics, Uppaluri K&H Personalized Medicine Clinic
Classification: Benign for Maturity-onset diabetes of the young. Review status: criteria provided, single submitter. Criteria: K & H Uppaluri Personalized Medicine Clinic Variant Classification & Assertion Criteria_Updated V.1. Collection method: research. Allele origin: unknown. Inheritance: Autosomal dominant inheritance.
Comment: Mutations in HNF1A gene can predispose to MODY3. It is associated with both micro and macrovascular complications of diabetes, especially cardiovascular complications. Associated with glucosuria. May respond well to sulfonylureas. However, more evidence is required to confer the association of this particular variant rs193922607 with MODY3.

Literature cited by the submitters: PubMed 31517624 (cited by Clinical Genomics, Uppaluri K&H Personalized Medicine Clinic); PubMed 32395877 (cited by Clinical Genomics, Uppaluri K&H Personalized Medicine Clinic); PubMed 35328643 (cited by Clinical Genomics, Uppaluri K&H Personalized Medicine Clinic); PubMed 35673428 (cited by Clinical Genomics, Uppaluri K&H Personalized Medicine Clinic).

NM_000545.8(HNF1A):c.954C>T (p.His318=)

Gene: HNF1A (HNF1 homeobox A; plus strand). Cytogenetic location: 12q24.31.
Variant type: single nucleotide variant.
Coding change: c.954C>T on transcript NM_000545.8 (MANE Select); coding-DNA position 954, C replaced by T.
Protein change: p.His318=; no amino-acid change (histidine 318 retained).
Molecular consequence: synonymous variant.
Genome position (GRCh38, 1-based): chr12:120,994,404, C>T. VCF-style: chr12-120994404-C-T. GRCh37 (hg19) VCF-style: chr12-121432207-C-T.
Other names: c.954C>T, p.His318= (NM_001306179.2).
Identifiers: ClinVar variation 36834 (VCV000036834.13), dbSNP rs193922607, ClinGen allele CA214339.